The following is an entry in ClinVar:

ClinVar aggregate classification (germline): Uncertain significance. Review status: criteria provided, multiple submitters, no conflicts (2 of 4 stars). 2 submissions from 2 submitters: Uncertain significance (2). Last evaluated 2024-11-07.

Allele frequency attached by ClinVar (database versions not stated): gnomAD exomes 0.00004; TOPMed 0.00004; gnomAD 0.00005; ExAC 0.00006.
gnomAD v4.1: 64 of 1,613,066 alleles (0.004%); highest among the groups gnomAD compares: South Asian, 0.053%; no homozygotes.

Submissions (2):

Blueprint Genetics
Classification: Uncertain significance. Last evaluated: 2024-11-07. Review status: criteria provided, single submitter. Criteria: ACMG Guidelines, 2015. Collection method: clinical testing. Allele origin: germline.

Labcorp Genetics (formerly Invitae), Labcorp
Classification: Uncertain significance. Last evaluated: 2022-10-13. Review status: criteria provided, single submitter. Criteria: Invitae Variant Classification Sherloc (09022015). Collection method: clinical testing. Allele origin: germline.
Comment: This sequence change replaces arginine, which is basic and polar, with tryptophan, which is neutral and slightly polar, at codon 99 of the FOXRED1 protein (p.Arg99Trp). This variant is present in population databases (rs746538752, gnomAD 0.04%). This variant has not been reported in the literature in individuals affected with FOXRED1-related conditions. Advanced modeling of protein sequence and biophysical properties (such as structural, functional, and spatial information, amino acid conservation, physicochemical variation, residue mobility, and thermodynamic stability) has been performed at Invitae for this missense variant, however the output from this modeling did not meet the statistical confidence thresholds required to predict the impact of this variant on FOXRED1 protein function. Algorithms developed to predict the effect of sequence changes on RNA splicing suggest that this variant may disrupt the consensus splice site. In summary, the available evidence is currently insufficient to determine the role of this variant in disease. Therefore, it has been classified as a Variant of Uncertain Significance.

NM_017547.4(FOXRED1):c.295C>T (p.Arg99Trp)

Gene: FOXRED1 (FAD dependent oxidoreductase domain containing 1; plus strand). Cytogenetic location: 11q24.2.
Variant type: single nucleotide variant.
Coding change: c.295C>T on transcript NM_017547.4 (MANE Select); coding-DNA position 295, C replaced by T.
Protein change: p.Arg99Trp; replaces arginine 99 with tryptophan.
Molecular consequence: missense variant. On other transcripts: non-coding transcript variant (1).
Genome position (GRCh38, 1-based): chr11:126,271,646, C>T. VCF-style: chr11-126271646-C-T. GRCh37 (hg19) VCF-style: chr11-126141541-C-T.
Other names: short protein forms R99W.
Identifiers: ClinVar variation 2077472 (VCV002077472.2), dbSNP rs746538752, ClinGen allele CA6354023.